The following is an entry in ClinVar:

ClinVar aggregate classification (germline): Uncertain significance (1 of 4 stars; one submission).

Conditions:
Warburg micro syndrome 2 (WARBM2). Also called: MICRO SYNDROME 2. Identifiers: Orphanet 2510, MedGen C3280214, MONDO:0013641, OMIM 614225.
Martsolf syndrome (MARTS). Also called: Congenital cataract with intellectual disability and hypogonadotropic hypogonadism syndrome. Identifiers: Orphanet 1387, MedGen C0796037, MONDO:0023910.

Allele frequency attached by ClinVar (database versions not stated): gnomAD 0.00001; gnomAD exomes 0.00001; TOPMed 0.00001.
gnomAD v4.1: 18 of 1,605,398 alleles (0.0011%); highest among the groups gnomAD compares: Non-Finnish European, 0.0014%; no homozygotes.

Submission:

Labcorp Genetics (formerly Invitae), Labcorp
Classification: Uncertain significance for Martsolf syndrome; Warburg micro syndrome 2. Last evaluated: 2023-12-06. Review status: criteria provided, single submitter. Criteria: Invitae Variant Classification Sherloc (09022015). Collection method: clinical testing. Allele origin: germline.
Comment: This sequence change replaces valine, which is neutral and non-polar, with isoleucine, which is neutral and non-polar, at codon 1049 of the RAB3GAP2 protein (p.Val1049Ile). The frequency data for this variant in the population databases is considered unreliable, as metrics indicate poor data quality at this position in the gnomAD database. This variant has not been reported in the literature in individuals affected with RAB3GAP2-related conditions. Advanced modeling of protein sequence and biophysical properties (such as structural, functional, and spatial information, amino acid conservation, physicochemical variation, residue mobility, and thermodynamic stability) performed at Invitae indicates that this missense variant is not expected to disrupt RAB3GAP2 protein function with a negative predictive value of 80%. In summary, the available evidence is currently insufficient to determine the role of this variant in disease. Therefore, it has been classified as a Variant of Uncertain Significance.

NM_012414.4(RAB3GAP2):c.3145G>A (p.Val1049Ile)

Gene: RAB3GAP2 (RAB3 GTPase activating non-catalytic protein subunit 2; minus strand). Cytogenetic location: 1q41.
Variant type: single nucleotide variant.
Coding change: c.3145G>A on transcript NM_012414.4 (MANE Select); coding-DNA position 3145, G replaced by A.
Protein change: p.Val1049Ile; replaces valine 1049 with isoleucine.
Molecular consequence: missense variant.
Genome position (GRCh38, 1-based): chr1:220,164,742, C>T on the plus strand (G>A on the coding strand, the complement: RAB3GAP2 is on the minus strand). VCF-style: chr1-220164742-C-T. GRCh37 (hg19) VCF-style: chr1-220338084-C-T.
Other names: short protein forms V1049I.
Identifiers: ClinVar variation 2937884 (VCV002937884.3), dbSNP rs775225394, ClinGen allele CA1402235.